The following is an entry in ClinVar:

ClinVar aggregate classification (germline): Uncertain significance (1 of 4 stars; one submission).

Conditions:
Congenital myasthenic syndrome 5. Identifiers: Orphanet 590, MedGen C1864233, MONDO:0011281, OMIM 603034.

Allele frequency attached by ClinVar (database versions not stated): gnomAD exomes below 0.00001.
gnomAD v4.1: 2 of 1,614,112 alleles (0.00012%); highest among the groups gnomAD compares: Admixed American, 0.0017%; no homozygotes.

Submission:

Labcorp Genetics (formerly Invitae), Labcorp
Classification: Uncertain significance for Congenital myasthenic syndrome 5. Last evaluated: 2021-10-12. Review status: criteria provided, single submitter. Criteria: Invitae Variant Classification Sherloc (09022015). Collection method: clinical testing. Allele origin: germline.
Comment: Variants that disrupt the consensus splice site are a relatively common cause of aberrant splicing (PMID: 17576681, 9536098). Algorithms developed to predict the effect of sequence changes on RNA splicing suggest that this variant may create or strengthen a splice site. This variant has not been reported in the literature in individuals affected with COLQ-related conditions. This variant is not present in population databases (ExAC no frequency). This sequence change falls in intron 1 of the COLQ gene. It does not directly change the encoded amino acid sequence of the COLQ protein. It affects a nucleotide within the consensus splice site. In summary, the available evidence is currently insufficient to determine the role of this variant in disease. Therefore, it has been classified as a Variant of Uncertain Significance.

Literature cited by the submitters: PubMed 17576681; PubMed 9536098.

NM_005677.4(COLQ):c.106+5A>G

Gene: COLQ (collagen like tail subunit of asymmetric acetylcholinesterase; minus strand). Cytogenetic location: 3p25.1.
Variant type: single nucleotide variant.
Coding change: c.106+5A>G on transcript NM_005677.4 (MANE Select); 5 bases into the intron after coding-DNA position 106, A replaced by G.
Molecular consequence: intron variant.
Genome position (GRCh38, 1-based): chr3:15,521,515, T>C on the plus strand (A>G on the coding strand, the complement: COLQ is on the minus strand). VCF-style: chr3-15521515-T-C. GRCh37 (hg19) VCF-style: chr3-15563022-T-C.
Other names: c.106+5A>G (NM_080539.4).
Identifiers: ClinVar variation 1400181 (VCV001400181.6), dbSNP rs755773953, ClinGen allele CA2573136380.